The following is an entry in ClinVar:

NM_001042681.2(RERE):c.2378C>T (p.Ala793Val)

Gene: RERE (arginine-glutamic acid dipeptide repeats; minus strand). Cytogenetic location: 1p36.23.
Variant type: single nucleotide variant.
Coding change: c.2378C>T on transcript NM_001042681.2 (MANE Select); coding-DNA position 2378, C replaced by T.
Protein change: p.Ala793Val; replaces alanine 793 with valine.
Molecular consequence: missense variant.
Genome position (GRCh38, 1-based): chr1:8,361,129, G>A on the plus strand (C>T on the coding strand, the complement: RERE is on the minus strand). VCF-style: chr1-8361129-G-A. GRCh37 (hg19) VCF-style: chr1-8421189-G-A.
Other names: c.716C>T, p.Ala239Val (NM_001042682.2); c.2378C>T, p.Ala793Val (NM_012102.4); short protein forms A239V, A793V.
Identifiers: ClinVar variation 2395016 (VCV002395016.3), dbSNP rs1307667676, ClinGen allele CA338172722.
Genomic context (GRCh38, chr1:8,361,129, plus strand): 5'-GAGGGCGGCCGCTGGGGGTGCAAGGCCGGTGCCTGTTGGATGTGGGTGTGGGGAACAGGC[G>A]CTGTGGGAGCCTGTGGCTGGTTAGGGGCCTGGGAGGCCGTGGGGGAGCCCTGTGGGGGAA-3'
Protein context (NP_001036146.1, residues 783-803): QAPNQPQAPT[Ala793Val]PVPHTHIQQA

ClinVar aggregate classification (germline): Uncertain significance. Review status: criteria provided, multiple submitters, no conflicts (2 of 4 stars). 2 submissions from 2 submitters: Uncertain significance (2). Last evaluated 2024-02-01.

Conditions:
Neurodevelopmental disorder with or without anomalies of the brain, eye, or heart (NEDBEH). Identifiers: Orphanet 494344, MedGen C5567477, MONDO:0014857, OMIM 616975.
Inborn genetic diseases. Identifiers: MedGen C0950123, MeSH D030342.

Allele frequency attached by ClinVar (database versions not stated): gnomAD 0.00001; TOPMed 0.00001; gnomAD exomes below 0.00001.
gnomAD v4.1: 9 of 1,445,350 alleles (0.00062%); highest among the groups gnomAD compares: African/African-American, 0.0029%; no homozygotes.

Submissions (2):

Neuberg Centre For Genomic Medicine, NCGM
Classification: Uncertain significance for Neurodevelopmental disorder with or without anomalies of the brain, eye, or heart. Last evaluated: 2024-02-01. Review status: criteria provided, single submitter. Criteria: ACMG Guidelines, 2015. Collection method: clinical testing. Allele origin: germline. Inheritance: Autosomal dominant inheritance.
Comment: The above variant in RERE gene has not been reported previously as a pathogenic variant nor as a benign variant, to our knowledge.

Ambry Genetics
Classification: Uncertain significance for Inborn genetic diseases. Last evaluated: 2021-10-20. Review status: criteria provided, single submitter. Criteria: Ambry Variant Classification Scheme 2023. Collection method: clinical testing. Allele origin: germline.